The following is an entry in ClinVar:

NM_206943.4(LTBP1):c.4793_4794del (p.Glu1598fs)

Gene: LTBP1 (latent transforming growth factor beta binding protein 1; plus strand). Cytogenetic location: 2p22.3.
Variant type: Deletion.
Coding change: c.4793_4794del on transcript NM_206943.4 (MANE Select); coding-DNA positions 4793 to 4794, 2 bases deleted (AA; older notation c.4793_4794delAA).
Protein change: p.Glu1598fs; shifts the reading frame from glutamic acid 1598.
Molecular consequence: frameshift variant.
Genome position (GRCh38, 1-based): chr2:33,389,265-33,389,266, AA deleted. VCF-style (leftmost placement, unchanged base first): chr2-33389264-GAA-G. GRCh37 (hg19) VCF-style: chr2-33614331-GAA-G.
Other names: c.3815_3816del, p.Glu1272fs (NM_000627.4); c.3689_3690del, p.Glu1230fs (NM_001166264.2, NM_001394909.1); c.3656_3657del, p.Glu1219fs (NM_001166265.2); c.3530_3531del, p.Glu1177fs (NM_001166266.2, NM_001394920.1); c.4634_4635del, p.Glu1545fs (NM_001394905.1); c.3812_3813del, p.Glu1271fs (NM_001394906.1); c.3728_3729del, p.Glu1243fs (NM_001394907.1); c.3695_3696del, p.Glu1232fs (NM_001394908.1); and 13 more; short protein forms E1087fs, E1129fs, E1135fs, E1137fs, E1176fs, E1177fs, E1181fs, E1182fs.
Identifiers: ClinVar variation 1320250 (VCV001320250.1), dbSNP rs2150575155, ClinGen allele CA2573051943.
Genomic context (GRCh38, chr2:33,389,264, plus strand): 5'-AACATCCCCGTGACGGGACGCCGGCAGCCATATGGACGGGACGCCTTGGTTGACTTCAGT[GAA>G]CAGTATACTCCAGAAGCCGATCCCTACTTCATCCAAGACCGTAAGCAAAATAACCTTGTT-3'

ClinVar aggregate classification (germline): Likely pathogenic (1 of 4 stars; one submission).

Conditions:
Cutis laxa, autosomal recessive, type 2E. Also called: CUTIS LAXA, AUTOSOMAL RECESSIVE, TYPE IIE. Identifiers: MedGen C5561944, MONDO:0030337, OMIM 619451.

Submission:

3billion
Classification: Likely pathogenic for Cutis laxa, autosomal recessive, type 2E. Last evaluated: 2021-10-02. Review status: criteria provided, single submitter. Criteria: ACMG Guidelines, 2015. Collection method: clinical testing. Allele origin: unknown. Affected: yes. Observed: 1 heterozygote.
Comment: Frameshift: predicted to result in a loss or disruption of normal protein function through nonsense-mediated decay (NMD) or protein truncation. Multiple pathogenic variants are reported downstream of the variant (PVS1_VS). The variant was observed as assumed (i.e. paternity and maternity not confirmed) de novoo (3billion dataset, PM6). It is not observed in the gnomAD v2.1.1 dataset (PM2).